The following is an entry in ClinVar:

ClinVar aggregate classification (germline): Uncertain significance. Review status: criteria provided, multiple submitters, no conflicts (2 of 4 stars). 2 submissions from 2 submitters: Uncertain significance (2). Last evaluated 2025-06-25.

Conditions:
Hereditary cancer-predisposing syndrome. Also called: Neoplastic Syndromes, Hereditary; Tumor predisposition; Hereditary Cancer Syndrome; Hereditary neoplastic syndrome. Identifiers: Orphanet 140162, MedGen C0027672, MeSH D009386, MONDO:0015356.
Oligodontia-cancer predisposition syndrome. Also called: TOOTH AGENESIS-COLORECTAL CANCER SYNDROME. Identifiers: Orphanet 300576, MedGen C1837750, MONDO:0012075, OMIM 608615. Disease mechanism: loss of function.

Allele frequency attached by ClinVar (database versions not stated): gnomAD exomes below 0.00001; gnomAD 0.00001.

Submissions (2):

Labcorp Genetics (formerly Invitae), Labcorp
Classification: Uncertain significance for Oligodontia-cancer predisposition syndrome. Last evaluated: 2025-06-25. Review status: criteria provided, single submitter. Criteria: Invitae Variant Classification Sherloc (09022015). Collection method: clinical testing. Allele origin: germline.
Comment: This sequence change affects the initiator codon of the AXIN2 mRNA. This change may impact translation initiation or efficiency. The next in-frame methionine is located at codon 5. This variant is not present in population databases (gnomAD no frequency). This variant has not been reported in the literature in individuals affected with AXIN2-related conditions. ClinVar contains an entry for this variant (Variation ID: 1798677). Experimental studies and prediction algorithms are not available or were not evaluated, and the functional significance of this variant is currently unknown. In summary, the available evidence is currently insufficient to determine the role of this variant in disease. Therefore, it has been classified as a Variant of Uncertain Significance.

Ambry Genetics
Classification: Uncertain significance for Hereditary cancer-predisposing syndrome. Last evaluated: 2023-09-28. Review status: criteria provided, single submitter. Criteria: Ambry Variant Classification Scheme 2023. Collection method: clinical testing. Allele origin: germline.
Comment: The p.M1? variant (also known as c.2T>C) is located in coding exon 1 of the AXIN2 gene and results from a T to C substitution at nucleotide position 2. This alters the methionine residue at the initiation codon (ATG). Variations that modify the initiation codon (ATG) are expected to result in either loss of translation initiation, N-terminal truncation, or cause a shift in the mRNA reading frame; however there is an in-frame methionine 4 amino acids from the initiation site, which may result in N-terminal truncation of unknown functional significance. Since supporting evidence is limited at this time, the clinical significance of this alteration remains unclear.

NM_004655.4(AXIN2):c.2T>C (p.Met1Thr)

Gene: AXIN2 (axin 2; minus strand). Cytogenetic location: 17q24.1.
Variant type: single nucleotide variant.
Coding change: c.2T>C on transcript NM_004655.4 (MANE Select); coding-DNA position 2, T replaced by C.
Protein change: p.Met1Thr; changes the start codon (methionine 1).
Molecular consequence: missense variant, initiator codon variant.
Genome position (GRCh38, 1-based): chr17:65,558,619, A>G on the plus strand (T>C on the coding strand, the complement: AXIN2 is on the minus strand). VCF-style: chr17-65558619-A-G. GRCh37 (hg19) VCF-style: chr17-63554737-A-G.
Other names: c.2T>C, p.Met1Thr (NM_001363813.1); short protein forms M1T.
Identifiers: ClinVar variation 1798677 (VCV001798677.6), dbSNP rs1166564286, ClinGen allele CA400682523.